The following is an entry in ClinVar:

ClinVar aggregate classification (germline): Uncertain significance (1 of 4 stars; one submission).

Submission:

Labcorp Genetics (formerly Invitae), Labcorp
Classification: Uncertain significance. Last evaluated: 2025-09-05. Review status: criteria provided, single submitter. Criteria: Invitae Variant Classification Sherloc (09022015). Collection method: clinical testing. Allele origin: germline.
Comment: This sequence change replaces valine, which is neutral and non-polar, with leucine, which is neutral and non-polar, at codon 261 of the USH1C protein (p.Val261Leu). This variant is not present in population databases (gnomAD no frequency). This variant has not been reported in the literature in individuals affected with USH1C-related conditions. An algorithm developed to predict the effect of missense changes on protein structure and function (PolyPhen-2) suggests that this variant is likely to be disruptive. In summary, the available evidence is currently insufficient to determine the role of this variant in disease. Therefore, it has been classified as a Variant of Uncertain Significance.

NM_153676.4(USH1C):c.781G>C (p.Val261Leu)

Gene: USH1C (USH1 protein network component harmonin; minus strand). Cytogenetic location: 11p15.1.
Variant type: single nucleotide variant.
Coding change: c.781G>C on transcript NM_153676.4 (MANE Select); coding-DNA position 781, G replaced by C.
Protein change: p.Val261Leu; replaces valine 261 with leucine.
Molecular consequence: missense variant. On other transcripts: non-coding transcript variant (1).
Genome position (GRCh38, 1-based): chr11:17,523,457, C>G on the plus strand (G>C on the coding strand, the complement: USH1C is on the minus strand). VCF-style: chr11-17523457-C-G. GRCh37 (hg19) VCF-style: chr11-17545004-C-G.
Other names: c.781G>C, p.Val261Leu (NM_001297764.2, NM_001440680.1, NM_001440681.1 and 5 more transcripts); c.814G>C, p.Val272Leu (NM_001440679.1, NM_001440684.1, NM_001440686.1); short protein forms V272L, V261L.
Identifiers: ClinVar variation 4726701 (VCV004726701.1).